The following is an entry in ClinVar:

NM_003998.4(NFKB1):c.2299G>C (p.Asp767His)

Gene: NFKB1 (nuclear factor kappa B subunit 1; plus strand). Cytogenetic location: 4q24.
Variant type: single nucleotide variant.
Coding change: c.2299G>C on transcript NM_003998.4 (MANE Select); coding-DNA position 2299, G replaced by C.
Protein change: p.Asp767His; replaces aspartic acid 767 with histidine.
Molecular consequence: missense variant.
Genome position (GRCh38, 1-based): chr4:102,610,646, G>C. VCF-style: chr4-102610646-G-C. GRCh37 (hg19) VCF-style: chr4-103531803-G-C.
Other names: c.2296G>C, p.Asp766His (NM_001165412.2, NM_001319226.2, NM_001382627.1); c.2299G>C, p.Asp767His (NM_001382625.1, NM_001382626.1); c.2257G>C, p.Asp753His (NM_001382628.1); short protein forms D766H, D767H, D753H.
Identifiers: ClinVar variation 2153342 (VCV002153342.4), dbSNP rs964387720, ClinGen allele CA102688825.

ClinVar aggregate classification (germline): Uncertain significance (1 of 4 stars; one submission).

Allele frequency attached by ClinVar (database versions not stated): gnomAD exomes below 0.00001; gnomAD 0.00001; TOPMed 0.00001.
gnomAD v4.1: 8 of 1,613,944 alleles (0.0005%); highest among the groups gnomAD compares: Non-Finnish European, 0.00068%; no homozygotes.

Submission:

Labcorp Genetics (formerly Invitae), Labcorp
Classification: Uncertain significance. Last evaluated: 2022-08-05. Review status: criteria provided, single submitter. Criteria: Invitae Variant Classification Sherloc (09022015). Collection method: clinical testing. Allele origin: germline.
Comment: This sequence change replaces aspartic acid, which is acidic and polar, with histidine, which is basic and polar, at codon 767 of the NFKB1 protein (p.Asp767His). This variant is not present in population databases (gnomAD no frequency). This variant has not been reported in the literature in individuals affected with NFKB1-related conditions. Algorithms developed to predict the effect of missense changes on protein structure and function are either unavailable or do not agree on the potential impact of this missense change (SIFT: "Deleterious"; PolyPhen-2: "Probably Damaging"; Align-GVGD: "Class C0"). In summary, the available evidence is currently insufficient to determine the role of this variant in disease. Therefore, it has been classified as a Variant of Uncertain Significance.